The following is an entry in ClinVar:

NM_153240.5(NPHP3):c.3656C>G (p.Ala1219Gly)

Genes: NPHP3 (nephrocystin 3; minus strand), NPHP3-ACAD11 (NPHP3-ACAD11 readthrough (NMD candidate); minus strand). Cytogenetic location: 3q22.1.
Variant type: single nucleotide variant.
Coding change: c.3656C>G on transcript NM_153240.5 (MANE Select); coding-DNA position 3656, C replaced by G.
Protein change: p.Ala1219Gly; replaces alanine 1219 with glycine.
Molecular consequence: missense variant. On other transcripts: non-coding transcript variant (1).
Genome position (GRCh38, 1-based): chr3:132,683,439, G>C on the plus strand (C>G on the coding strand, the complement: NPHP3 is on the minus strand). VCF-style: chr3-132683439-G-C. GRCh37 (hg19) VCF-style: chr3-132402283-G-C.
Other names: short protein forms A1219G.
Identifiers: ClinVar variation 1715527 (VCV001715527.5), dbSNP rs1939080767, ClinGen allele CA354578520.

ClinVar aggregate classification (germline): Uncertain significance (1 of 4 stars; one submission).

Conditions:
Nephronophthisis. Also called: Juvenile Nephronophthisis. Identifiers: Orphanet 655, MedGen C0687120, MONDO:0019005, HP:0000090.

Allele frequency attached by ClinVar (database versions not stated): gnomAD exomes below 0.00001; TOPMed below 0.00001.
gnomAD v4.1: 1 of 1,613,206 alleles (0.000062%); highest among the groups gnomAD compares: African/African-American, 0.0013%; no homozygotes.

Submission:

Labcorp Genetics (formerly Invitae), Labcorp
Classification: Uncertain significance for Nephronophthisis. Last evaluated: 2023-11-06. Review status: criteria provided, single submitter. Criteria: Invitae Variant Classification Sherloc (09022015). Collection method: clinical testing. Allele origin: germline.
Comment: This sequence change replaces alanine, which is neutral and non-polar, with glycine, which is neutral and non-polar, at codon 1219 of the NPHP3 protein (p.Ala1219Gly). This variant is not present in population databases (gnomAD no frequency). This variant has not been reported in the literature in individuals affected with NPHP3-related conditions. ClinVar contains an entry for this variant (Variation ID: 1715527). Advanced modeling of protein sequence and biophysical properties (such as structural, functional, and spatial information, amino acid conservation, physicochemical variation, residue mobility, and thermodynamic stability) performed at Invitae indicates that this missense variant is not expected to disrupt NPHP3 protein function with a negative predictive value of 80%. In summary, the available evidence is currently insufficient to determine the role of this variant in disease. Therefore, it has been classified as a Variant of Uncertain Significance.